The following is an entry in ClinVar:

ClinVar aggregate classification (germline): Uncertain significance. Review status: criteria provided, single submitter (1 of 4 stars). 2 submissions from 2 submitters: Uncertain significance (1). 1 of the submissions does not count toward it. Last evaluated 2022-05-27.

Conditions:
IFT74-related disorder. Also called: IFT74-related condition; IFT74-Related Disorders.

Allele frequency attached by ClinVar (database versions not stated): gnomAD exomes below 0.00001.
gnomAD v4.1: 2 of 1,575,206 alleles (0.00013%); highest among the groups gnomAD compares: Non-Finnish European, 0.00017%; no homozygotes.

Submissions (2):

Labcorp Genetics (formerly Invitae), Labcorp
Classification: Uncertain significance. Last evaluated: 2022-05-27. Review status: criteria provided, single submitter. Criteria: Invitae Variant Classification Sherloc (09022015). Collection method: clinical testing. Allele origin: germline.
Comment: This sequence change replaces tyrosine, which is neutral and polar, with histidine, which is basic and polar, at codon 484 of the IFT74 protein (p.Tyr484His). This variant is not present in population databases (gnomAD no frequency). This variant has not been reported in the literature in individuals affected with IFT74-related conditions. Algorithms developed to predict the effect of missense changes on protein structure and function are either unavailable or do not agree on the potential impact of this missense change (SIFT: "Deleterious"; PolyPhen-2: "Possibly Damaging"; Align-GVGD: "Class C0"). In summary, the available evidence is currently insufficient to determine the role of this variant in disease. Therefore, it has been classified as a Variant of Uncertain Significance.

PreventionGenetics, part of Exact Sciences
Classification: Uncertain significance for IFT74-related condition. Last evaluated: 2023-11-15. Review status: no assertion criteria provided. Collection method: clinical testing. Allele origin: germline. Not counted in ClinVar's aggregate classification.
Comment: The IFT74 c.1450T>C variant is predicted to result in the amino acid substitution p.Tyr484His. To our knowledge, this variant has not been reported in the literature or in a large population database, indicating this variant is rare. At this time, the clinical significance of this variant is uncertain due to the absence of conclusive functional and genetic evidence.

NM_025103.4(IFT74):c.1450T>C (p.Tyr484His)

Gene: IFT74 (intraflagellar transport 74; plus strand). Cytogenetic location: 9p21.2.
Variant type: single nucleotide variant.
Coding change: c.1450T>C on transcript NM_025103.4 (MANE Select); coding-DNA position 1450, T replaced by C.
Protein change: p.Tyr484His; replaces tyrosine 484 with histidine.
Molecular consequence: missense variant.
Genome position (GRCh38, 1-based): chr9:27,055,725, T>C. VCF-style: chr9-27055725-T-C. GRCh37 (hg19) VCF-style: chr9-27055723-T-C.
Other names: c.1450T>C, p.Tyr484His (NM_001099222.3, NM_001099223.3, NM_001349928.2); c.1450T>C (NM_025103.2); short protein forms Y484H.
Identifiers: ClinVar variation 1349361 (VCV001349361.4), dbSNP rs2131703168, ClinGen allele CA373128275.
Genomic context (GRCh38, chr9:27,055,725, plus strand): 5'-ACTGAAGAACAGCATTCTCTAAAAAGCAAAATTAAGCAAATGACAACTGATCTGGAGATA[T>C]ATAATGATTTGCCAGCTTTAAAATCATCAGGTGAAGAAAAGATAAAGGTAAATGTTAACC-3'
Protein context (NP_079379.2, residues 474-494): IKQMTTDLEI[Tyr484His]NDLPALKSSG